The following is an entry in ClinVar:

ClinVar aggregate classification (germline): Conflicting classifications of pathogenicity. Review status: criteria provided, conflicting classifications (1 of 4 stars). 11 submissions from 11 submitters: Uncertain significance (4); Benign (1); Likely benign (3). 3 of the submissions do not count toward it. Last evaluated 2026-01-28.

Conditions:
KIF1B-related disorder. Also called: KIF1B-related condition.
Neuroblastoma, susceptibility to, 1. Identifiers: MedGen C2749485, MONDO:0009741, OMIM 256700.
Charcot-Marie-Tooth disease type 2A1. Also called: CHARCOT-MARIE-TOOTH DISEASE, AXONAL, TYPE 2A1; CHARCOT-MARIE-TOOTH DISEASE, AXONAL, AUTOSOMAL DOMINANT, TYPE 2A1; CHARCOT-MARIE-TOOTH DISEASE, NEURONAL, TYPE 2A1; CHARCOT-MARIE-TOOTH NEUROPATHY, TYPE 2A1; HEREDITARY MOTOR AND SENSORY NEUROPATHY IIA1. Identifiers: Orphanet 99946, MedGen C1861678, MONDO:0007308, OMIM 118210.
Charcot-Marie-Tooth disease. Also called: Charcot-Marie-Tooth Hereditary Neuropathy; Charcot-Marie-Tooth Neuropathy. Identifiers: Orphanet 166, MedGen C0007959, MONDO:0015626.
Charcot-Marie-Tooth disease type 2. Also called: Charcot-Marie-Tooth type 2. Identifiers: Orphanet 64746, MedGen C0270914, MONDO:0018993.
Neuroblastoma (NB). Identifiers: Orphanet 635, MedGen C0027819, MeSH D009447, MONDO:0005072, HP:0003006.
Malignant tumor of breast. Also called: Cancer breast; Malignant breast neoplasm. Identifiers: MedGen C0006142, MONDO:0007254. Disease mechanism: loss of function.

Allele frequency attached by ClinVar (database versions not stated): 1000 Genomes Project 0.00040; gnomAD 0.00040 and 0.00042; 1000 Genomes Project 30x 0.00047; gnomAD exomes 0.00047 and 0.00061; TOPMed 0.00057; ExAC 0.00063.
gnomAD v4.1: 771 of 1,614,138 alleles (0.048%); highest among the groups gnomAD compares: Middle Eastern, 0.35%; 3 homozygotes.

Submissions (11):

Labcorp Genetics (formerly Invitae), Labcorp
Classification: Likely benign for Charcot-Marie-Tooth disease type 2. Last evaluated: 2026-01-28. Review status: criteria provided, single submitter. Criteria: Invitae Variant Classification Sherloc (09022015). Collection method: clinical testing. Allele origin: germline.

CeGaT Center for Human Genetics Tuebingen
Classification: Benign. Last evaluated: 2026-01-01. Review status: criteria provided, single submitter. Criteria: CeGaT Center For Human Genetics Tuebingen Variant Classification Criteria Version 2. Collection method: clinical testing. Allele origin: germline. Affected: yes. Observed: 9 variant alleles.
Comment: KIF1B: BP4, BS1, BS2

Blueprint Genetics
Classification: Likely benign. Last evaluated: 2024-11-25. Review status: criteria provided, single submitter. Criteria: ACMG Guidelines, 2015. Collection method: clinical testing. Allele origin: germline.

Department of Pathology and Laboratory Medicine, Sinai Health System
Classification: Uncertain significance for Charcot-Marie-Tooth disease type 2A1; Neuroblastoma, susceptibility to, 1. Last evaluated: 2023-03-16. Review status: criteria provided, single submitter. Criteria: ACMG Guidelines, 2015. Collection method: research. Allele origin: germline.

Institute for Clinical Genetics, University Hospital TU Dresden, University Hospital TU Dresden
Classification: Uncertain significance. Last evaluated: 2021-11-03. Review status: criteria provided, single submitter. Criteria: ACMG Guidelines, 2015. Collection method: clinical testing. Allele origin: germline.

Ambry Genetics
Classification: Likely benign. Last evaluated: 2020-02-04. Review status: criteria provided, single submitter. Criteria: Ambry Variant Classification Scheme 2023. Collection method: clinical testing. Allele origin: germline.

Illumina Laboratory Services, Illumina
Classification: Uncertain significance for Neuroblastoma. Last evaluated: 2017-04-27. Review status: criteria provided, single submitter. Criteria: ICSL Variant Classification Criteria 13 December 2019. Collection method: clinical testing. Allele origin: germline.
Comment: This variant was observed as part of a predisposition screen in an ostensibly healthy population. A literature search was performed for the gene, cDNA change, and amino acid change (where applicable). Publications were found based on this search. However, the evidence from the literature, in combination with allele frequency data from public databases where available, was not sufficient to rule this variant in or out of causing disease. Therefore, this variant is classified as a variant of unknown significance.

Molecular Genetics Laboratory, London Health Sciences Centre
Classification: Uncertain significance for Charcot-Marie-Tooth disease. Review status: criteria provided, single submitter. Criteria: ACMG Guidelines, 2015. Collection method: clinical testing. Allele origin: germline. Affected: yes.

PreventionGenetics, part of Exact Sciences
Classification: Likely benign for KIF1B-related condition. Last evaluated: 2024-04-11. Review status: no assertion criteria provided. Collection method: clinical testing. Allele origin: germline. Not counted in ClinVar's aggregate classification.
Comment: This variant is classified as likely benign based on ACMG/AMP sequence variant interpretation guidelines (Richards et al. 2015 PMID: 25741868, with internal and published modifications).

OMIM
Classification: risk factor for NEUROBLASTOMA, SUSCEPTIBILITY TO, 1. Last evaluated: 2008-04-01. Review status: no assertion criteria provided. Collection method: literature only. Allele origin: germline. Not counted in ClinVar's aggregate classification.

Center of Medical Genetics and Primary Health Care
Classification: Likely benign for Breast Cancer. Review status: no assertion criteria provided. Collection method: clinical testing. Allele origin: germline. Affected: yes. Not counted in ClinVar's aggregate classification.

Literature cited by the submitters: PubMed 18334619 (cited by 3 submitters); PubMed 24469107 (cited by Ambry Genetics and Illumina Laboratory Services, Illumina); PubMed 24694336 (cited by Ambry Genetics).

NM_001365951.3(KIF1B):c.2618C>T (p.Thr873Ile)

Gene: KIF1B (kinesin family member 1B; plus strand). Cytogenetic location: 1p36.22.
Variant type: single nucleotide variant.
Coding change: c.2618C>T on transcript NM_001365951.3 (MANE Select); coding-DNA position 2618, C replaced by T.
Protein change: p.Thr873Ile; replaces threonine 873 with isoleucine.
Molecular consequence: missense variant.
Genome position (GRCh38, 1-based): chr1:10,324,838, C>T. VCF-style: chr1-10324838-C-T. GRCh37 (hg19) VCF-style: chr1-10384896-C-T.
Other names: c.2618C>T, p.Thr873Ile (NM_001365952.1); c.2480C>T, p.Thr827Ile (NM_015074.3); short protein forms T827I, T873I.
Identifiers: ClinVar variation 4660 (VCV000004660.49), dbSNP rs121908162, ClinGen allele CA116990.